The following is an entry in ClinVar:

NM_005585.5(SMAD6):c.1016A>C (p.His339Pro)

Gene: SMAD6 (SMAD family member 6; plus strand). Cytogenetic location: 15q22.31.
Variant type: single nucleotide variant.
Coding change: c.1016A>C on transcript NM_005585.5 (MANE Select); coding-DNA position 1016, A replaced by C.
Protein change: p.His339Pro; replaces histidine 339 with proline.
Molecular consequence: missense variant. On other transcripts: non-coding transcript variant (1).
Genome position (GRCh38, 1-based): chr15:66,781,060, A>C. VCF-style: chr15-66781060-A-C. GRCh37 (hg19) VCF-style: chr15-67073398-A-C.
Other names: short protein forms H339P.
Identifiers: ClinVar variation 690413 (VCV000690413.2), dbSNP rs142278375, ClinGen allele CA393201686.

ClinVar aggregate classification (germline): Uncertain significance (0 of 4 stars; one submission).

Conditions:
Radioulnar synostosis. Also called: Congenital radioulnar synostosis. Identifiers: Orphanet 3269, MedGen C0158761, MONDO:0017985, HP:0002974.

gnomAD v4.1: 1 of 1,603,436 alleles (0.000062%); highest among the groups gnomAD compares: Non-Finnish European, 0.000085%; no homozygotes.

Submission:

The Laboratory of Genetics and Metabolism, Hunan Children’s Hospital
Classification: Uncertain significance for radioulnar synostosis. Last evaluated: 2019-05-14. Review status: no assertion criteria provided. Collection method: case-control. Allele origin: unknown. Affected: yes.
Comment: PM1, PM2, PP3